The following is an entry in ClinVar:

NM_004530.6(MMP2):c.154-1492_320del

Gene: MMP2 (matrix metallopeptidase 2; plus strand). Cytogenetic location: 16q12.2.
Variant type: Deletion.
Coding change: c.154-1492_320del on transcript NM_004530.6 (MANE Select); 1492 bases into the intron before coding-DNA position 154 through coding-DNA position 320, 1,659 bases deleted.
Molecular consequence: splice acceptor variant. On other transcripts: initiator codon variant (3).
Genome position (GRCh38, 1-based): chr16:55,481,417-55,483,075, 1,659 bases deleted. GRCh37 (hg19): chr16:55,515,329-55,516,987.
Other names: c.-75-1492_92del (NM_001302508.1); c.-76+1362_92del (NM_001302510.2); c.-76+820_92del (NM_001302509.2).
Identifiers: ClinVar variation 859272 (VCV000859272.2), ClinGen allele CA916083493.

ClinVar aggregate classification (germline): Likely pathogenic (1 of 4 stars; one submission).

Submission:

Labcorp Genetics (formerly Invitae), Labcorp
Classification: Likely pathogenic. Last evaluated: 2019-12-23. Review status: criteria provided, single submitter. Criteria: Invitae Variant Classification Sherloc (09022015). Collection method: clinical testing. Allele origin: germline.
Comment: This variant results in the deletion of part of exon 2 (c.154-1494_318del) of the MMP2 gene. It is expected to disrupt RNA splicing and likely results in an absent or disrupted protein product. This variant has not been reported in the literature in individuals with MMP2-related conditions. Loss-of-function variants in MMP2 are known to be pathogenic (PMID: 26601801). In summary, the currently available evidence indicates that the variant is pathogenic, but additional data are needed to prove that conclusively. Therefore, this variant has been classified as Likely Pathogenic.